The following is an entry in ClinVar:

NM_014271.4:c.(?_704)_(778_?)dup

Gene: IL1RAPL1 (interleukin 1 receptor accessory protein like 1; plus strand).
Variant type: Duplication.
Other names: c.(?_704)_(778_?)dup (NM_014271.4).
Identifiers: ClinVar variation 2580998 (VCV002580998.2).

ClinVar aggregate classification (germline): Uncertain significance (1 of 4 stars; one submission).

Conditions:
Intellectual developmental disorder, X-linked 21. Also called: Intellectual disability, X-linked 21; MENTAL RETARDATION, X-LINKED 34; Mental retardation, X-linked 21/34. Identifiers: Orphanet 777, MedGen C5551510, MONDO:0010256, OMIM 300143.

Submission:

Dr. med. U. Finckh, Human Genetics, Eurofins MVZ
Classification: Uncertain significance for Intellectual developmental disorder, X-linked 21. Last evaluated: 2020-12-17. Review status: criteria provided, single submitter. Criteria: ACMG Guidelines, 2015. Collection method: clinical testing. Allele origin: unknown.
Comment: Duplication at least of exon 6. Involvement of exon 5 / exon 7 cannot be excluded with certainty. As the breakpoints could not be determined and the localization of this duplication is unknown, the variant is classified as VUS.